The following is an entry in ClinVar:

NM_003072.5(SMARCA4):c.4370A>T (p.Asn1457Ile)

Gene: SMARCA4 (SWI/SNF related BAF chromatin remodeling complex subunit ATPase 4; plus strand). Cytogenetic location: 19p13.2.
Variant type: single nucleotide variant.
Coding change: c.4370A>T on transcript NM_003072.5 (MANE Select); coding-DNA position 4370, A replaced by T.
Protein change: p.Asn1457Ile; replaces asparagine 1457 with isoleucine.
Molecular consequence: missense variant. On other transcripts: non-coding transcript variant (1).
Genome position (GRCh38, 1-based): chr19:11,041,506, A>T. VCF-style: chr19-11041506-A-T. GRCh37 (hg19) VCF-style: chr19-11152182-A-T.
Other names: c.4370A>T, p.Asn1457Ile (NM_001128844.3); c.4280A>T, p.Asn1427Ile (NM_001128845.2, NM_001128846.2); c.4271A>T, p.Asn1424Ile (NM_001128847.4, NM_001128848.2, NM_001374457.1); c.4466A>T, p.Asn1489Ile (NM_001128849.3, NM_001387283.1); c.4367A>T, p.Asn1456Ile (NM_001411150.1); short protein forms N1424I, N1427I, N1456I, N1457I, N1489I.
Identifiers: ClinVar variation 4802586 (VCV004802586.1).
Genomic context (GRCh38, chr19:11,041,506, plus strand): 5'-GCAAGAAGCAGAAGAAGCGCGGGCGGCCGCCTGCCGAGAAACTCTCCCCTAACCCACCCA[A>T]CCTCACCAAGAAGATGAAGAAGATTGTGGATGCCGTGATCAAGTACAAGGACAGGTAAGC-3'
Protein context (NP_003063.2, residues 1447-1467): PAEKLSPNPP[Asn1457Ile]LTKKMKKIVD

ClinVar aggregate classification (germline): Uncertain significance (1 of 4 stars; one submission).

Conditions:
Rhabdoid tumor predisposition syndrome 2 (RTPS2). Identifiers: Orphanet 231108, Orphanet 69077, MedGen C2750074, MONDO:0013224, OMIM 613325.

Submission:

Labcorp Genetics (formerly Invitae), Labcorp
Classification: Uncertain significance for Rhabdoid tumor predisposition syndrome 2. Last evaluated: 2025-10-03. Review status: criteria provided, single submitter. Criteria: Invitae Variant Classification Sherloc (09022015). Collection method: clinical testing. Allele origin: germline.
Comment: This sequence change replaces asparagine, which is neutral and polar, with isoleucine, which is neutral and non-polar, at codon 1489 of the SMARCA4 protein (p.Asn1489Ile). This variant is not present in population databases (gnomAD no frequency). This variant has not been reported in the literature in individuals affected with SMARCA4-related conditions. Invitae Evidence Modeling of protein sequence and biophysical properties (such as structural, functional, and spatial information, amino acid conservation, physicochemical variation, residue mobility, and thermodynamic stability) has been performed for this missense variant. However, the output from this modeling did not meet the statistical confidence thresholds required to predict the impact of this variant on SMARCA4 protein function. In summary, the available evidence is currently insufficient to determine the role of this variant in disease. Therefore, it has been classified as a Variant of Uncertain Significance.